The following is an entry in ClinVar:

ClinVar aggregate classification (germline): Pathogenic/Likely pathogenic. Review status: criteria provided, multiple submitters, no conflicts (2 of 4 stars). 8 submissions from 8 submitters: Pathogenic (3); Likely pathogenic (5). Last evaluated 2026-07-01.

Conditions:
Congenital heart defects, multiple types, 6 (CHTD6). Identifiers: Orphanet 860, MedGen C3151221, MONDO:0013463, OMIM 613854.
Right atrial isomerism (RAI). Also called: IVEMARK SYNDROME. Identifiers: Orphanet 97548, MedGen C3178806, MONDO:0008832, OMIM 208530, HP:0011536.

Submissions (8):

CeGaT Center for Human Genetics Tuebingen
Classification: Likely pathogenic. Last evaluated: 2026-07-01. Review status: criteria provided, single submitter. Criteria: CeGaT Center For Human Genetics Tuebingen Variant Classification Criteria Version 2. Collection method: clinical testing. Allele origin: germline. Affected: yes. Observed: 1 variant allele.
Comment: GDF1: PM2, PM3, PVS1:Moderate

GeneDx
Classification: Pathogenic. Last evaluated: 2025-05-05. Review status: criteria provided, single submitter. Criteria: GeneDx Variant Classification Process June 2021. Collection method: clinical testing. Allele origin: germline. Affected: yes.
Comment: Frameshift variant predicted to result in abnormal protein length as the last 24 amino acids are replaced with 34 different amino acids, and other similar variants have been reported; Not observed at significant frequency in large population cohorts (gnomAD); This variant is associated with the following publications: (PMID: 31589614, 35595280, 33131162, 28973083, 34328347)

Labcorp Genetics (formerly Invitae), Labcorp
Classification: Pathogenic. Last evaluated: 2025-03-31. Review status: criteria provided, single submitter. Criteria: Invitae Variant Classification Sherloc (09022015). Collection method: clinical testing. Allele origin: germline.
Comment: This sequence change creates a premature translational stop signal (p.Phe349Leufs*35) in the GDF1 gene. While this is not anticipated to result in nonsense mediated decay, it is expected to disrupt the last 24 amino acid(s) of the GDF1 protein. This variant is present in population databases (rs768027510, gnomAD 0.02%). This premature translational stop signal has been observed in individual(s) with heterotaxy (internal data). In at least one individual the data is consistent with being in trans (on the opposite chromosome) from a pathogenic variant. ClinVar contains an entry for this variant (Variation ID: 410641). For these reasons, this variant has been classified as Pathogenic.

Fulgent Genetics
Classification: Likely pathogenic for Right atrial isomerism; Congenital heart defects, multiple types, 6. Last evaluated: 2024-04-11. Review status: criteria provided, single submitter. Criteria: ACMG Guidelines, 2015. Collection method: clinical testing. Allele origin: germline.

Department of Pathology and Laboratory Medicine, Sinai Health System
Classification: Likely pathogenic for Congenital heart defects, multiple types, 6; Right atrial isomerism. Last evaluated: 2023-08-21. Review status: criteria provided, single submitter. Criteria: ACMG Guidelines, 2015. Collection method: research. Allele origin: germline.

Institute of Human Genetics Munich, TUM University Hospital
Classification: Likely pathogenic for Congenital heart defects, multiple types, 6. Last evaluated: 2023-01-25. Review status: criteria provided, single submitter. Criteria: Classification criteria August 2017. Collection method: clinical testing. Allele origin: germline. Inheritance: Autosomal dominant inheritance. Affected: yes. Observed: 1 variant allele.

Victorian Clinical Genetics Services, Murdoch Childrens Research Institute
Classification: Likely pathogenic for Congenital heart defects, multiple types, 6. Last evaluated: 2020-10-19. Review status: criteria provided, single submitter. Criteria: ACMG Guidelines, 2015. Collection method: clinical testing. Allele origin: germline. Inheritance: Autosomal recessive inheritance.
Comment: Based on the classification scheme VCGS_Germline_v1.3.3, this variant is classified as Likely pathogenic. Following criteria are met: 0102 - Loss of function is a known mechanism of disease in this gene and is associated with right atrial isomerism (MIM#208530). Although loss of function has been demonstrated for missense variants, there is currently limited evidence demonstrating loss of function for truncating variants (PMIDs: 1792434; 20413652). (I) 0106 - This gene is associated with autosomal recessive disease. This gene has been associated right atrial isomerism (Ivemark) (RAI) (MIM#208530) and congenital heart defects, multiple types, 6 (MIM#613854) (OMIM; PMID: 28991257). (I) 0208 - Variant is predicted to result in an elongated protein. (SP) 0251 - This variant is heterozygous. (I) 0304 - Variant is present in gnomAD <0.01 for a recessive condition (14 heterozygotes, 0 homozygotes). (SP) 0600 - Variant is located in the annotated TGF-beta like domain (NCBI conserved domain). (I) 0705 - No comparable protein truncating variants have previous evidence for pathogenicity. (I) 0803 - This variant has moderate previous evidence of pathogenicity in unrelated individuals. This variant has been reported in 3 unrelated individuals from clinical testing laboratories (ClinVar). (SP) 0905 - No published segregation evidence has been identified for this variant. (I) 1007 - No published functional evidence has been identified for this variant. (I) 1101 - Very strong and specific phenotype match for this individual's fetus. (SP) 1201 - Heterozygous variant detected in trans with a second pathogenic heterozygous variant (c.681C>A; p.(Cys227*)) in a recessive disease (reported by Invitae #RQ1502139). (I) Legend: (SP) - Supporting pathogenic, (I) - Information, (SB) - Supporting benign

Genomic Research Center, Shahid Beheshti University of Medical Sciences
Classification: Pathogenic. Last evaluated: 2020-05-03. Review status: criteria provided, single submitter. Criteria: ACMG Guidelines, 2015. Collection method: clinical testing. Allele origin: unknown. Affected: yes.

Literature cited by the submitters: PubMed 28991257 (cited by Victorian Clinical Genetics Services, Murdoch Childrens Research Institute); PubMed 17924340 (cited by Victorian Clinical Genetics Services, Murdoch Childrens Research Institute); PubMed 20413652 (cited by Victorian Clinical Genetics Services, Murdoch Childrens Research Institute).

NM_001492.6(GDF1):c.1047_1050del (p.Phe349fs)

Genes: CERS1 (ceramide synthase 1; minus strand), GDF1 (growth differentiation factor 1; minus strand). Cytogenetic location: 19p13.11.
Variant type: Deletion.
Coding change: c.1047_1050del on transcript NM_001492.6 (MANE Select); coding-DNA positions 1047 to 1050, 4 bases deleted (CTTT; older notation c.1047_1050delCTTT).
Protein change: p.Phe349fs; shifts the reading frame from phenylalanine 349.
Molecular consequence: frameshift variant. On other transcripts: 3 prime UTR variant (2).
Genome position (GRCh38, 1-based): chr19:18,868,666-18,868,669, AAAG deleted on the plus strand (CTTT on the coding strand, the reverse complement: GDF1 is on the minus strand); deleting any 4 consecutive bases within chr19:18,868,666-18,868,671 gives the same sequence; the c. name uses the placement nearest the transcript's 3' end. VCF-style (leftmost placement, unchanged base first): chr19-18868665-CAAAG-C. GRCh37 (hg19) VCF-style: chr19-18979474-CAAAG-C.
Other names: c.1047_1050del (NM_001492.4); c.*1908_*1911del (NM_001387440.1); c.*1316_*1319del (NM_021267.5); c.1047_1050del, p.Phe349fs (NM_001387438.1); short protein forms F349fs.
Identifiers: ClinVar variation 410641 (VCV000410641.23), dbSNP rs768027510, ClinGen allele CA9317902.
Genomic context (GRCh38, chr19:18,868,665, plus strand): 5'-AGCCGCACTCGTCCACCACCATGTCCTCATACTGCCGCAGCACCACGTTGTCGCTGTTGT[CAAAG>C]AAGAGCACGGAGATGGGCGACAGGCGCGCGGGCACGCAGCAGGGCAGGTCGGCGGCTCCC-3'